The following is an entry in ClinVar:

NM_000528.4(MAN2B1):c.1016T>C (p.Val339Ala)

Gene: MAN2B1 (mannosidase alpha class 2B member 1; minus strand). Cytogenetic location: 19p13.13.
Variant type: single nucleotide variant.
Coding change: c.1016T>C on transcript NM_000528.4 (MANE Select); coding-DNA position 1016, T replaced by C.
Protein change: p.Val339Ala; replaces valine 339 with alanine.
Molecular consequence: missense variant.
Genome position (GRCh38, 1-based): chr19:12,661,270, A>G on the plus strand (T>C on the coding strand, the complement: MAN2B1 is on the minus strand). VCF-style: chr19-12661270-A-G. GRCh37 (hg19) VCF-style: chr19-12772084-A-G.
Other names: c.1016T>C, p.Val339Ala (NM_001173498.2); short protein forms V339A.
Identifiers: ClinVar variation 2044188 (VCV002044188.1), dbSNP rs1168137854, ClinGen allele CA404250065.

ClinVar aggregate classification (germline): Uncertain significance (1 of 4 stars; one submission).

Conditions:
Deficiency of alpha-mannosidase (MANSA). Also called: LYSOSOMAL ALPHA-D-MANNOSIDASE DEFICIENCY; Mannosidosis, alpha-, types I and II; Alpha-Mannosidosis. Identifiers: Orphanet 61, MedGen C0024748, MONDO:0009561, OMIM 248500.

Allele frequency attached by ClinVar (database versions not stated): gnomAD exomes below 0.00001; TOPMed 0.00002.
gnomAD v4.1: 2 of 1,612,884 alleles (0.00012%); highest among the groups gnomAD compares: East Asian, 0.0022%; no homozygotes.

Submission:

Labcorp Genetics (formerly Invitae), Labcorp
Classification: Uncertain significance for Deficiency of alpha-mannosidase. Last evaluated: 2021-12-03. Review status: criteria provided, single submitter. Criteria: Invitae Variant Classification Sherloc (09022015). Collection method: clinical testing. Allele origin: germline.
Comment: This sequence change replaces valine, which is neutral and non-polar, with alanine, which is neutral and non-polar, at codon 339 of the MAN2B1 protein (p.Val339Ala). This variant is not present in population databases (gnomAD no frequency). This variant has not been reported in the literature in individuals affected with MAN2B1-related conditions. Algorithms developed to predict the effect of missense changes on protein structure and function (SIFT, PolyPhen-2, Align-GVGD) all suggest that this variant is likely to be disruptive. In summary, the available evidence is currently insufficient to determine the role of this variant in disease. Therefore, it has been classified as a Variant of Uncertain Significance.